The following is an entry in ClinVar:

NM_001098512.3(PRKG1):c.-345A>G

Gene: PRKG1 (protein kinase cGMP-dependent 1; plus strand). Cytogenetic location: 10q11.23.
Variant type: single nucleotide variant.
Coding change: c.-345A>G on transcript NM_001098512.3; 345 bases upstream of the start codon, A replaced by G.
Molecular consequence: 5 prime UTR variant.
Genome position (GRCh38, 1-based): chr10:50,991,034, A>G. VCF-style: chr10-50991034-A-G. GRCh37 (hg19) VCF-style: chr10-52750794-A-G.
Identifiers: ClinVar variation 674059 (VCV000674059.3), dbSNP rs186127402, ClinGen allele CA16388704.

ClinVar aggregate classification (germline): Likely benign (1 of 4 stars; one submission).

Allele frequency attached by ClinVar (database versions not stated): gnomAD 0.01846; TOPMed 0.02075; gnomAD exomes 0.01105; 1000 Genomes Project 30x 0.02061; 1000 Genomes Project 0.02017.
gnomAD v4.1: 3,603 of 226,654 alleles (1.6%); highest among the groups gnomAD compares: African/African-American, 3.5%; 54 homozygotes.

Submission:

GeneDx
Classification: Likely benign. Last evaluated: 2018-06-19. Review status: criteria provided, single submitter. Criteria: GeneDx Variant Classification (06012015). Collection method: clinical testing. Allele origin: germline. Affected: yes.
Comment: This variant is considered likely benign or benign based on one or more of the following criteria: it is a conservative change, it occurs at a poorly conserved position in the protein, it is predicted to be benign by multiple in silico algorithms, and/or has population frequency not consistent with disease.